The following is an entry in ClinVar:

ClinVar aggregate classification (germline): Uncertain significance (1 of 4 stars; one submission).

Submission:

Ambry Genetics
Classification: Uncertain significance. Last evaluated: 2026-04-27. Review status: criteria provided, single submitter. Criteria: Ambry Variant Classification Scheme 2023. Collection method: clinical testing. Allele origin: germline.
Comment: The c.3036+3A>G intronic variant consists of an A to G substitution 3 nucleotides after exon 22 (coding exon 21) of the HECTD4 gene. This variant was not reported in population-based cohorts in the Genome Aggregation Database (gnomAD). This nucleotide position is highly conserved in available vertebrate species. RNA studies have demonstrated that this variant results in a transcript predicted to lead to a protein with an in-frame deletion of 35 amino acid(s); however, the exact functional impact of the deleted amino acid(s) is unknown at this time (Ambry internal data). In silico splice site analysis predicts that this alteration will not have any significant effect on splicing. Based on insufficient or conflicting evidence, the clinical significance of this alteration remains unclear.

NM_001388303.1(HECTD4):c.3552+3A>G

Gene: HECTD4 (HECT domain E3 ubiquitin protein ligase 4; minus strand). Cytogenetic location: 12q24.13.
Variant type: single nucleotide variant.
Coding change: c.3552+3A>G on transcript NM_001388303.1 (MANE Select); 3 bases into the intron after coding-DNA position 3552, A replaced by G.
Molecular consequence: intron variant.
Genome position (GRCh38, 1-based): chr12:112,252,421, T>C on the plus strand (A>G on the coding strand, the complement: HECTD4 is on the minus strand). VCF-style: chr12-112252421-T-C. GRCh37 (hg19) VCF-style: chr12-112690225-T-C.
Other names: c.3582+3A>G (NM_001109662.4).
Identifiers: ClinVar variation 4858325 (VCV004858325.1).